The following is an entry in ClinVar:

ClinVar aggregate classification (germline): Uncertain significance (1 of 4 stars; one submission).

gnomAD v4.1: 8 of 1,613,652 alleles (0.0005%); highest among the groups gnomAD compares: Non-Finnish European, 0.00068%; no homozygotes.

Submission:

Labcorp Genetics (formerly Invitae), Labcorp
Classification: Uncertain significance. Last evaluated: 2024-09-30. Review status: criteria provided, single submitter. Criteria: Invitae Variant Classification Sherloc (09022015). Collection method: clinical testing. Allele origin: germline.
Comment: This sequence change replaces alanine, which is neutral and non-polar, with valine, which is neutral and non-polar, at codon 47 of the RERE protein (p.Ala47Val). This variant is not present in population databases (gnomAD no frequency). This variant has not been reported in the literature in individuals affected with RERE-related conditions. ClinVar contains an entry for this variant (Variation ID: 1358700). Invitae Evidence Modeling of protein sequence and biophysical properties (such as structural, functional, and spatial information, amino acid conservation, physicochemical variation, residue mobility, and thermodynamic stability) indicates that this missense variant is not expected to disrupt RERE protein function with a negative predictive value of 95%. In summary, the available evidence is currently insufficient to determine the role of this variant in disease. Therefore, it has been classified as a Variant of Uncertain Significance.

NM_001042681.2(RERE):c.140C>T (p.Ala47Val)

Gene: RERE (arginine-glutamic acid dipeptide repeats; minus strand). Cytogenetic location: 1p36.23.
Variant type: single nucleotide variant.
Coding change: c.140C>T on transcript NM_001042681.2 (MANE Select); coding-DNA position 140, C replaced by T.
Protein change: p.Ala47Val; replaces alanine 47 with valine.
Molecular consequence: missense variant.
Genome position (GRCh38, 1-based): chr1:8,656,158, G>A on the plus strand (C>T on the coding strand, the complement: RERE is on the minus strand). VCF-style: chr1-8656158-G-A. GRCh37 (hg19) VCF-style: chr1-8716217-G-A.
Other names: c.140C>T, p.Ala47Val (NM_012102.4); short protein forms A47V.
Identifiers: ClinVar variation 1358700 (VCV001358700.6), dbSNP rs1349353773, ClinGen allele CA338223052.
Genomic context (GRCh38, chr1:8,656,158, plus strand): 5'-GTGGCACTATTGTTGTCATTGTCCTCGTCTTCACTGTGATCACTCTCAGCATAATTTTTG[G>A]CTCCTCCTTCCAAGGTACAGCTCCGGCGTGGCCTTGAATTCTCACTCTCTCTTGCTTTGT-3'
Protein context (NP_001036146.1, residues 37-57): PRRSCTLEGG[Ala47Val]KNYAESDHSE